The following is an entry in ClinVar:

NM_000143.4(FH):c.1067T>A (p.Leu356Ter)

Gene: FH (fumarate hydratase; minus strand). Cytogenetic location: 1q43.
Variant type: single nucleotide variant.
Coding change: c.1067T>A on transcript NM_000143.4 (MANE Select); coding-DNA position 1067, T replaced by A.
Protein change: p.Leu356Ter; replaces leucine 356 with a stop codon.
Molecular consequence: nonsense.
Genome position (GRCh38, 1-based): chr1:241,504,083, A>T on the plus strand (T>A on the coding strand, the complement: FH is on the minus strand). VCF-style: chr1-241504083-A-T. GRCh37 (hg19) VCF-style: chr1-241667383-A-T.
Other names: short protein forms L356*.
Identifiers: ClinVar variation 167066 (VCV000167066.13), dbSNP rs727503927, ClinGen allele CA233988.

ClinVar aggregate classification (germline): Pathogenic/Likely pathogenic. Review status: criteria provided, multiple submitters, no conflicts (2 of 4 stars). 5 submissions from 5 submitters: Pathogenic (3); Likely pathogenic (2). Last evaluated 2024-07-30.

Conditions:
Hereditary leiomyomatosis and renal cell cancer. Also called: MULTIPLE CUTANEOUS AND UTERINE LEIOMYOMATA 1, WITH OR WITHOUT RENAL CELL CARCINOMA; LEIOMYOMA, MULTIPLE CUTANEOUS; Familial leiomyomatosis; Multiple cutaneous leiomyomas; FH tumor predisposition syndrome; Reed syndrome. Identifiers: Orphanet 523, MedGen C1708350, MONDO:0007888, OMIM 150800, HP:0007437. Disease mechanism: loss of function.

Submissions (5):

Labcorp Genetics (formerly Invitae), Labcorp
Classification: Pathogenic. Last evaluated: 2024-07-30. Review status: criteria provided, single submitter. Criteria: Invitae Variant Classification Sherloc (09022015). Collection method: clinical testing. Allele origin: germline.
Comment: This sequence change creates a premature translational stop signal (p.Leu356*) in the FH gene. It is expected to result in an absent or disrupted protein product. Loss-of-function variants in FH are known to be pathogenic (PMID: 11865300, 21398687). This variant is not present in population databases (gnomAD no frequency). This premature translational stop signal has been observed in individual(s) with breast cancer (PMID: 26296701). ClinVar contains an entry for this variant (Variation ID: 167066). For these reasons, this variant has been classified as Pathogenic.

Mayo Clinic Laboratories, Mayo Clinic
Classification: Likely pathogenic. Last evaluated: 2024-07-01. Review status: criteria provided, single submitter. Criteria: ACMG Guidelines, 2015. Collection method: clinical testing. Allele origin: germline. Observed: 1 variant allele.
Comment: PM2, PVS1

GeneDx
Classification: Pathogenic. Last evaluated: 2021-01-21. Review status: criteria provided, single submitter. Criteria: GeneDx Variant Classification Process June 2021. Collection method: clinical testing. Allele origin: germline. Affected: yes.
Comment: Nonsense variant predicted to result in protein truncation or nonsense mediated decay in a gene for which loss-of-function is a known mechanism of disease; Not observed in large population cohorts (Lek 2016); This variant is associated with the following publications: (PMID: 26296701)

Eurofins Ntd Llc (ga)
Classification: Pathogenic. Last evaluated: 2016-05-17. Review status: criteria provided, single submitter. Criteria: EGL Classification Definitions. Collection method: clinical testing. Allele origin: germline. Observed: 2 variant alleles, 2 heterozygotes.

Center for Individualized Medicine, Mayo Clinic
Classification: Likely pathogenic for Hereditary leiomyomatosis and renal cell cancer. Last evaluated: 2014-01-01. Review status: criteria provided, single submitter. Criteria: ACMG Guidelines, 2007. Collection method: research. Allele origin: germline. Affected: no. Study: Breast Cancer Genome Guided Therapy Study (BEAUTY).

Literature cited by the submitters: PubMed 11865300 (cited by Labcorp Genetics (formerly Invitae), Labcorp); PubMed 21398687 (cited by Labcorp Genetics (formerly Invitae), Labcorp); PubMed 26296701 (cited by 3 submitters).